The following is an entry in ClinVar:

ClinVar aggregate classification (germline): Uncertain significance. Review status: criteria provided, multiple submitters, no conflicts (2 of 4 stars). 2 submissions from 2 submitters: Uncertain significance (2). Last evaluated 2025-08-09.

Conditions:
Inborn genetic diseases. Identifiers: MedGen C0950123, MeSH D030342.
Developmental and epileptic encephalopathy, 53. Also called: Epileptic encephalopathy, early infantile, 53. Identifiers: MedGen C4479313, MONDO:0033362, OMIM 617389.
Early-onset Parkinson disease 20. Also called: PARKINSON DISEASE 20, AUTOSOMAL RECESSIVE EARLY-ONSET. Identifiers: Orphanet 391411, MedGen C3809824, MONDO:0014233, OMIM 615530.

Allele frequency attached by ClinVar (database versions not stated): ExAC 0.00001; gnomAD exomes 0.00001; TOPMed 0.00001.
gnomAD v4.1: 9 of 1,613,602 alleles (0.00056%); highest among the groups gnomAD compares: Non-Finnish European, 0.00076%; no homozygotes.

Submissions (2):

Ambry Genetics
Classification: Uncertain significance for Inborn genetic diseases. Last evaluated: 2025-08-09. Review status: criteria provided, single submitter. Criteria: Ambry Variant Classification Scheme 2023. Collection method: clinical testing. Allele origin: germline.

Labcorp Genetics (formerly Invitae), Labcorp
Classification: Uncertain significance for Developmental and epileptic encephalopathy, 53; Early-onset Parkinson disease 20. Last evaluated: 2022-07-26. Review status: criteria provided, single submitter. Criteria: Invitae Variant Classification Sherloc (09022015). Collection method: clinical testing. Allele origin: germline.
Comment: This sequence change replaces alanine, which is neutral and non-polar, with valine, which is neutral and non-polar, at codon 1186 of the SYNJ1 protein (p.Ala1186Val). This variant is present in population databases (rs771833786, gnomAD 0.0009%). This variant has not been reported in the literature in individuals affected with SYNJ1-related conditions. Algorithms developed to predict the effect of missense changes on protein structure and function are either unavailable or do not agree on the potential impact of this missense change (SIFT: "Deleterious"; PolyPhen-2: "Possibly Damaging"; Align-GVGD: "Class C0"). In summary, the available evidence is currently insufficient to determine the role of this variant in disease. Therefore, it has been classified as a Variant of Uncertain Significance.

NM_203446.3(SYNJ1):c.3440C>T (p.Ala1147Val)

Gene: SYNJ1 (synaptojanin 1; minus strand). Cytogenetic location: 21q22.11.
Variant type: single nucleotide variant.
Coding change: c.3440C>T on transcript NM_203446.3 (MANE Select); coding-DNA position 3440, C replaced by T.
Protein change: p.Ala1147Val; replaces alanine 1147 with valine.
Molecular consequence: missense variant. On other transcripts: intron variant (2).
Genome position (GRCh38, 1-based): chr21:32,643,448, G>A on the plus strand (C>T on the coding strand, the complement: SYNJ1 is on the minus strand). VCF-style: chr21-32643448-G-A. GRCh37 (hg19) VCF-style: chr21-34015758-G-A.
Other names: c.3557C>T, p.Ala1186Val (NM_003895.4); c.3431-1315C>T (NM_001160302.2); c.3377-1482C>T (NM_001160306.2); c.3557C>T (NM_003895.3); short protein forms A1147V, A1186V.
Identifiers: ClinVar variation 2162110 (VCV002162110.2), dbSNP rs771833786, ClinGen allele CA10003399.
Genomic context (GRCh38, chr21:32,643,448, plus strand): 5'-TATAATGCAAGAGTCTTGTTACCTTCCATCTCTCTCCTAGCTACCCCAGGACTGGGAGGG[G>A]CTCCAATACCTTTTTAGAGAAAGAACAGAAACTATATATTGTTCAGGGCCCACAGCACAG-3'
Protein context (NP_982271.3, residues 1137-1157): PTRKEFGGIG[Ala1147Val]PPSPGVARRE